The following is an entry in ClinVar:

ClinVar aggregate classification (germline): Uncertain significance (1 of 4 stars; one submission).

Conditions:
Hereditary cancer-predisposing syndrome. Also called: Neoplastic Syndromes, Hereditary; Tumor predisposition; Hereditary Cancer Syndrome; Hereditary neoplastic syndrome. Identifiers: Orphanet 140162, MedGen C0027672, MeSH D009386, MONDO:0015356.

Submission:

Ambry Genetics
Classification: Uncertain significance for Hereditary cancer-predisposing syndrome. Last evaluated: 2025-12-30. Review status: criteria provided, single submitter. Criteria: Ambry Variant Classification Scheme 2023. Collection method: clinical testing. Allele origin: germline.
Comment: The c.1432+5G>A intronic variant results from a G to A substitution 5 nucleotides after coding exon 9 in the FLCN gene. This nucleotide position is highly conserved in available vertebrate species. In silico splice site analysis predicts that this alteration will weaken the native splice donor site. Based on the available evidence, the clinical significance of this variant remains unclear.

NM_144997.7(FLCN):c.1432+5G>A

Gene: FLCN (folliculin; minus strand). Cytogenetic location: 17p11.2.
Variant type: single nucleotide variant.
Coding change: c.1432+5G>A on transcript NM_144997.7 (MANE Select); 5 bases into the intron after coding-DNA position 1432, G replaced by A.
Molecular consequence: intron variant.
Genome position (GRCh38, 1-based): chr17:17,215,180, C>T on the plus strand (G>A on the coding strand, the complement: FLCN is on the minus strand). VCF-style: chr17-17215180-C-T. GRCh37 (hg19) VCF-style: chr17-17118494-C-T.
Other names: c.1432+5G>A (NM_001353231.2, NM_001353230.2); c.1486+5G>A (NM_001353229.2).
Identifiers: ClinVar variation 4843153 (VCV004843153.1).